The following is an entry in ClinVar:

ClinVar aggregate classification (germline): Uncertain significance. Review status: criteria provided, multiple submitters, no conflicts (2 of 4 stars). 2 submissions from 2 submitters: Uncertain significance (2). Last evaluated 2025-12-03.

Conditions:
Inborn genetic diseases. Identifiers: MedGen C0950123, MeSH D030342.

Allele frequency attached by ClinVar (database versions not stated): gnomAD exomes 0.00001 and 0.00005; ExAC 0.00006; ESP Exome Variant Server 0.00008; TOPMed 0.00002; gnomAD 0.00003.

Submissions (2):

Ambry Genetics
Classification: Uncertain significance for Inborn genetic diseases. Last evaluated: 2025-12-03. Review status: criteria provided, single submitter. Criteria: Ambry Variant Classification Scheme 2023. Collection method: clinical testing. Allele origin: germline.

Labcorp Genetics (formerly Invitae), Labcorp
Classification: Uncertain significance. Last evaluated: 2022-07-19. Review status: criteria provided, single submitter. Criteria: Invitae Variant Classification Sherloc (09022015). Collection method: clinical testing. Allele origin: germline.
Comment: In summary, the available evidence is currently insufficient to determine the role of this variant in disease. Therefore, it has been classified as a Variant of Uncertain Significance. Algorithms developed to predict the effect of missense changes on protein structure and function (SIFT, PolyPhen-2, Align-GVGD) all suggest that this variant is likely to be disruptive. ClinVar contains an entry for this variant (Variation ID: 1386501). This variant has not been reported in the literature in individuals affected with LTBP2-related conditions. This variant is present in population databases (rs146027819, gnomAD 0.05%). This sequence change replaces glutamic acid, which is acidic and polar, with lysine, which is basic and polar, at codon 219 of the LTBP2 protein (p.Glu219Lys).

NM_000428.3(LTBP2):c.655G>A (p.Glu219Lys)

Gene: LTBP2 (latent transforming growth factor beta binding protein 2; minus strand). Cytogenetic location: 14q24.3.
Variant type: single nucleotide variant.
Coding change: c.655G>A on transcript NM_000428.3 (MANE Select); coding-DNA position 655, G replaced by A.
Protein change: p.Glu219Lys; replaces glutamic acid 219 with lysine.
Molecular consequence: missense variant.
Genome position (GRCh38, 1-based): chr14:74,586,029, C>T on the plus strand (G>A on the coding strand, the complement: LTBP2 is on the minus strand). VCF-style: chr14-74586029-C-T. GRCh37 (hg19) VCF-style: chr14-75052732-C-T.
Other names: c.655G>A (NM_000428.2); short protein forms E219K.
Identifiers: ClinVar variation 1386501 (VCV001386501.6), dbSNP rs146027819, ClinGen allele CA7270121.